The following is an entry in ClinVar:

ClinVar aggregate classification (germline): Pathogenic (1 of 4 stars; one submission).

Conditions:
Charcot-Marie-Tooth disease type 4. Also called: Charcot-Marie-Tooth disease, type IV; Charcot-Marie-Tooth, Type 4. Identifiers: Orphanet 64749, MedGen C4082197, MONDO:0018995.

Allele frequency attached by ClinVar (database versions not stated): gnomAD exomes below 0.00001.
gnomAD v4.1: 1 of 1,614,066 alleles (0.000062%); highest among the groups gnomAD compares: Non-Finnish European, 0.000085%; no homozygotes.

Submission:

Labcorp Genetics (formerly Invitae), Labcorp
Classification: Pathogenic for Charcot-Marie-Tooth disease type 4. Last evaluated: 2025-01-15. Review status: criteria provided, single submitter. Criteria: Invitae Variant Classification Sherloc (09022015). Collection method: clinical testing. Allele origin: germline.
Comment: This sequence change affects an acceptor splice site in intron 12 of the SH3TC2 gene. It is expected to disrupt RNA splicing. Variants that disrupt the donor or acceptor splice site typically lead to a loss of protein function (PMID: 16199547), and loss-of-function variants in SH3TC2 are known to be pathogenic (PMID: 20220177, 27068304). This variant is not present in population databases (gnomAD no frequency). Disruption of this splice site has been observed in individual(s) with clinical features of Charcot-Marie-Tooth disease (internal data). In at least one individual the data is consistent with being in trans (on the opposite chromosome) from a pathogenic variant. ClinVar contains an entry for this variant (Variation ID: 651301). Algorithms developed to predict the effect of sequence changes on RNA splicing suggest that this variant may disrupt the consensus splice site. For these reasons, this variant has been classified as Pathogenic.

Literature cited by the submitters: PubMed 16199547; PubMed 20220177; PubMed 27068304.

NM_024577.4(SH3TC2):c.3054-2A>C

Gene: SH3TC2 (SH3 domain and tetratricopeptide repeats 2; minus strand). Cytogenetic location: 5q32.
Variant type: single nucleotide variant.
Coding change: c.3054-2A>C on transcript NM_024577.4 (MANE Select); the canonical splice acceptor site of the intron before coding-DNA position 3054, A replaced by C.
Molecular consequence: splice acceptor variant.
Genome position (GRCh38, 1-based): chr5:149,012,736, T>G on the plus strand (A>C on the coding strand, the complement: SH3TC2 is on the minus strand). VCF-style: chr5-149012736-T-G. GRCh37 (hg19) VCF-style: chr5-148392299-T-G.
Identifiers: ClinVar variation 651301 (VCV000651301.7), dbSNP rs1580891465, ClinGen allele CA361663186.